The following is an entry in ClinVar:

ClinVar aggregate classification (germline): Uncertain significance. Review status: criteria provided, multiple submitters, no conflicts (2 of 4 stars). 3 submissions from 3 submitters: Uncertain significance (3). Last evaluated 2025-09-09.

Conditions:
PCLO-related disorder. Also called: PCLO-related condition.

Allele frequency attached by ClinVar (database versions not stated): gnomAD exomes 0.00003; ExAC 0.00004; gnomAD 0.00006 and 0.00007; ESP Exome Variant Server 0.00016; TOPMed 0.00019.
gnomAD v4.1: 26 of 1,613,584 alleles (0.0016%); highest among the groups gnomAD compares: African/African-American, 0.027%; no homozygotes.

Submissions (3):

PreventionGenetics, part of Exact Sciences
Classification: Uncertain significance for PCLO-related condition. Last evaluated: 2025-09-09. Review status: criteria provided, single submitter. Criteria: ACMG Guidelines, 2015. Collection method: clinical testing. Allele origin: germline.
Comment: The PCLO c.10745G>C variant is predicted to result in the amino acid substitution p.Ser3582Thr. To our knowledge, this variant has not been reported in the literature. This variant is reported in 0.033% of alleles in individuals of African descent in gnomAD. At this time, the clinical significance of this variant is uncertain due to the absence of conclusive functional and genetic evidence.

Labcorp Genetics (formerly Invitae), Labcorp
Classification: Uncertain significance. Last evaluated: 2022-10-13. Review status: criteria provided, single submitter. Criteria: Invitae Variant Classification Sherloc (09022015). Collection method: clinical testing. Allele origin: germline.
Comment: This sequence change replaces serine, which is neutral and polar, with threonine, which is neutral and polar, at codon 3582 of the PCLO protein (p.Ser3582Thr). This variant is present in population databases (rs377700317, gnomAD 0.03%). This variant has not been reported in the literature in individuals affected with PCLO-related conditions. ClinVar contains an entry for this variant (Variation ID: 500350). Algorithms developed to predict the effect of missense changes on protein structure and function are either unavailable or do not agree on the potential impact of this missense change (SIFT: "Tolerated"; PolyPhen-2: "Not Available"; Align-GVGD: "Class C0"). In summary, the available evidence is currently insufficient to determine the role of this variant in disease. Therefore, it has been classified as a Variant of Uncertain Significance.

Eurofins Ntd Llc (ga)
Classification: Uncertain significance. Last evaluated: 2017-02-06. Review status: criteria provided, single submitter. Criteria: EGL Classification Definitions 2015. Collection method: clinical testing. Allele origin: germline. Observed: 1 variant allele, 1 heterozygote.

NM_033026.6(PCLO):c.10745G>C (p.Ser3582Thr)

Gene: PCLO (piccolo presynaptic cytomatrix protein; minus strand). Cytogenetic location: 7q21.11.
Variant type: single nucleotide variant.
Coding change: c.10745G>C on transcript NM_033026.6 (MANE Select); coding-DNA position 10745, G replaced by C.
Protein change: p.Ser3582Thr; replaces serine 3582 with threonine.
Molecular consequence: missense variant.
Genome position (GRCh38, 1-based): chr7:82,949,843, C>G on the plus strand (G>C on the coding strand, the complement: PCLO is on the minus strand). VCF-style: chr7-82949843-C-G. GRCh37 (hg19) VCF-style: chr7-82579159-C-G.
Other names: c.10745G>C, p.Ser3582Thr (NM_014510.3); c.10745G>C (NM_033026.5); short protein forms S3582T.
Identifiers: ClinVar variation 500350 (VCV000500350.10), dbSNP rs377700317, ClinGen allele CA4319690.